The following is an entry in ClinVar:

ClinVar aggregate classification (germline): Uncertain significance (1 of 4 stars; one submission).

Conditions:
Brugada syndrome 4 (BRGDA4). Identifiers: Orphanet 130, MedGen C2678477, MONDO:0012743, OMIM 611876.

Allele frequency attached by ClinVar (database versions not stated): gnomAD exomes below 0.00001; TOPMed below 0.00001; gnomAD 0.00001.

Submission:

Labcorp Genetics (formerly Invitae), Labcorp
Classification: Uncertain significance for Brugada syndrome 4. Last evaluated: 2020-11-13. Review status: criteria provided, single submitter. Criteria: Invitae Variant Classification Sherloc (09022015). Collection method: clinical testing. Allele origin: germline.
Comment: In summary, the available evidence is currently insufficient to determine the role of this variant in disease. Therefore, it has been classified as a Variant of Uncertain Significance. Algorithms developed to predict the effect of missense changes on protein structure and function are either unavailable or do not agree on the potential impact of this missense change (SIFT: "Deleterious"; PolyPhen-2: "Benign"; Align-GVGD: "Class C0"). This variant has not been reported in the literature in individuals with CACNB2-related conditions. This variant is not present in population databases (ExAC no frequency). This sequence change replaces alanine with threonine at codon 187 of the CACNB2 protein (p.Ala187Thr). The alanine residue is highly conserved and there is a small physicochemical difference between alanine and threonine.

NM_201596.3(CACNB2):c.721G>A (p.Ala241Thr)

Gene: CACNB2 (calcium voltage-gated channel auxiliary subunit beta 2; plus strand). Cytogenetic location: 10p12.31.
Variant type: single nucleotide variant.
Coding change: c.721G>A on transcript NM_201596.3 (MANE Select); coding-DNA position 721, G replaced by A.
Protein change: p.Ala241Thr; replaces alanine 241 with threonine.
Molecular consequence: missense variant. On other transcripts: intron variant (5).
Genome position (GRCh38, 1-based): chr10:18,514,286, G>A. VCF-style: chr10-18514286-G-A. GRCh37 (hg19) VCF-style: chr10-18803215-G-A.
Other names: c.556G>A, p.Ala186Thr (NM_000724.4); c.577G>A, p.Ala193Thr (NM_201570.3); c.637G>A, p.Ala213Thr (NM_201571.4); c.559G>A, p.Ala187Thr (NM_201590.3); c.587-225G>A (NM_001167945.2); c.587-694G>A (NM_201572.4); c.671-225G>A (NM_201593.3); c.671-694G>A (NM_201597.3); and 1 more; short protein forms A187T, A213T, A193T, A241T, A186T.
Identifiers: ClinVar variation 1400714 (VCV001400714.6), dbSNP rs1320589471, ClinGen allele CA376060608.